The following is an entry in ClinVar:

ClinVar aggregate classification (germline): Uncertain significance (1 of 4 stars; one submission).

Conditions:
Knobloch syndrome 2 (KNO2). Identifiers: MedGen C5676897, MONDO:0100119, OMIM 618458.

Submission:

Victorian Clinical Genetics Services, Murdoch Childrens Research Institute
Classification: Uncertain significance for Knobloch syndrome 2. Last evaluated: 2026-04-21. Review status: criteria provided, single submitter. Criteria: ACMG Guidelines, 2015. Collection method: clinical testing. Allele origin: germline. Affected: yes.
Comment: This variant is classified as VUS-3B. Evidence in support of pathogenic classification: Variant is absent from gnomAD (v2, v3 and v4); Missense variant predicted to be damaging by in silico tool(s) or highly conserved with a major amino acid change. Additional information: Variant is predicted to result in a missense amino acid change from Ile to Thr; This variant is heterozygous; This gene is associated with autosomal dominant disease; This variant has no previous evidence of pathogenicity; No published evidence of segregation with disease has been identified for this variant; No published functional evidence has been identified for this variant; No comparable missense variants have previous evidence for pathogenicity; Variant is located in the annotated PBD domain (DECIPHER); Loss of function is a known mechanism of disease in this gene and is associated with Knobloch syndrome 2 (MIM#618458; PMID: 33693784, 38894571). However, dominant negative has not been excluded as a mechanism; Inheritance information for this variant is not currently available in this individual.

Literature cited by the submitters: PubMed 38894571; PubMed 33693784.

NM_002577.4(PAK2):c.332T>C (p.Ile111Thr)

Gene: PAK2 (p21 (RAC1) activated kinase 2; plus strand). Cytogenetic location: 3q29.
Variant type: single nucleotide variant.
Coding change: c.332T>C on transcript NM_002577.4 (MANE Select); coding-DNA position 332, T replaced by C.
Protein change: p.Ile111Thr; replaces isoleucine 111 with threonine.
Molecular consequence: missense variant.
Genome position (GRCh38, 1-based): chr3:196,803,060, T>C. VCF-style: chr3-196803060-T-C. GRCh37 (hg19) VCF-style: chr3-196529931-T-C.
Other names: short protein forms I111T.
Identifiers: ClinVar variation 4879707 (VCV004879707.1).